The following is an entry in ClinVar:

ClinVar aggregate classification (germline): Conflicting classifications of pathogenicity. Review status: criteria provided, conflicting classifications (1 of 4 stars). 3 submissions from 3 submitters: Uncertain significance (2); Likely benign (1). Last evaluated 2025-01-13.

Conditions:
Inborn genetic diseases. Identifiers: MedGen C0950123, MeSH D030342.

Allele frequency attached by ClinVar (database versions not stated): ExAC 0.00012; gnomAD exomes 0.00003 and 0.00006; gnomAD 0.00004 and 0.00005; TOPMed 0.00004; ESP Exome Variant Server 0.00008.

Submissions (3):

Labcorp Genetics (formerly Invitae), Labcorp
Classification: Uncertain significance. Last evaluated: 2025-01-13. Review status: criteria provided, single submitter. Criteria: Invitae Variant Classification Sherloc (09022015). Collection method: clinical testing. Allele origin: germline.
Comment: This sequence change replaces arginine, which is basic and polar, with histidine, which is basic and polar, at codon 205 of the TACO1 protein (p.Arg205His). This variant is present in population databases (rs377438959, gnomAD 0.01%). This variant has not been reported in the literature in individuals affected with TACO1-related conditions. ClinVar contains an entry for this variant (Variation ID: 215242). Invitae Evidence Modeling of protein sequence and biophysical properties (such as structural, functional, and spatial information, amino acid conservation, physicochemical variation, residue mobility, and thermodynamic stability) indicates that this missense variant is not expected to disrupt TACO1 protein function with a negative predictive value of 80%. In summary, the available evidence is currently insufficient to determine the role of this variant in disease. Therefore, it has been classified as a Variant of Uncertain Significance.

Ambry Genetics
Classification: Uncertain significance for Inborn genetic diseases. Last evaluated: 2023-08-15. Review status: criteria provided, single submitter. Criteria: Ambry Variant Classification Scheme 2023. Collection method: clinical testing. Allele origin: germline.

GeneDx
Classification: Likely benign. Last evaluated: 2012-03-15. Review status: criteria provided, single submitter. Criteria: GeneDx Variant Classification (06012015). Collection method: clinical testing. Allele origin: germline. Affected: yes.
Comment: This variant is considered likely benign or benign based on one or more of the following criteria: it is a conservative change, it occurs at a poorly conserved position in the protein, it is predicted to be benign by multiple in silico algorithms, and/or has population frequency not consistent with disease.

NM_016360.4(TACO1):c.614G>A (p.Arg205His)

Gene: TACO1 (translational activator of cytochrome c oxidase I; plus strand). Cytogenetic location: 17q23.3.
Variant type: single nucleotide variant.
Coding change: c.614G>A on transcript NM_016360.4 (MANE Select); coding-DNA position 614, G replaced by A.
Protein change: p.Arg205His; replaces arginine 205 with histidine.
Molecular consequence: missense variant.
Genome position (GRCh38, 1-based): chr17:63,607,385, G>A. VCF-style: chr17-63607385-G-A. GRCh37 (hg19) VCF-style: chr17-61684745-G-A.
Other names: short protein forms R205H.
Identifiers: ClinVar variation 215242 (VCV000215242.10), dbSNP rs377438959, ClinGen allele CA319907.